The following is an entry in ClinVar:

NM_052813.5(CARD9):c.886G>A (p.Glu296Lys)

Gene: CARD9 (caspase recruitment domain family member 9; minus strand). Cytogenetic location: 9q34.3.
Variant type: single nucleotide variant.
Coding change: c.886G>A on transcript NM_052813.5 (MANE Select); coding-DNA position 886, G replaced by A.
Protein change: p.Glu296Lys; replaces glutamic acid 296 with lysine.
Molecular consequence: missense variant.
Genome position (GRCh38, 1-based): chr9:136,370,359, C>T on the plus strand (G>A on the coding strand, the complement: CARD9 is on the minus strand). VCF-style: chr9-136370359-C-T. GRCh37 (hg19) VCF-style: chr9-139264811-C-T.
Other names: c.886G>A, p.Glu296Lys (NM_052814.4); short protein forms E296K.
Identifiers: ClinVar variation 1900966 (VCV001900966.5), dbSNP rs1468502009, ClinGen allele CA375544089.

ClinVar aggregate classification (germline): Uncertain significance (1 of 4 stars; one submission).

Conditions:
Predisposition to invasive fungal disease due to CARD9 deficiency (IMD103). Also called: CARD9 IMMUNODEFICIENCY; Candidiasis, familial, 2, autosomal recessive; IMMUNODEFICIENCY 103, SUSCEPTIBILITY TO FUNGAL INFECTIONS. Identifiers: Orphanet 457088, MedGen C1859353, MONDO:0008905, OMIM 212050.

Allele frequency attached by ClinVar (database versions not stated): TOPMed 0.00001; gnomAD 0.00005.
gnomAD v4.1: 11 of 1,609,896 alleles (0.00068%); highest among the groups gnomAD compares: Admixed American, 0.018%; no homozygotes.

Submission:

Labcorp Genetics (formerly Invitae), Labcorp
Classification: Uncertain significance for Predisposition to invasive fungal disease due to CARD9 deficiency. Last evaluated: 2022-02-22. Review status: criteria provided, single submitter. Criteria: Invitae Variant Classification Sherloc (09022015). Collection method: clinical testing. Allele origin: germline.
Comment: In summary, the available evidence is currently insufficient to determine the role of this variant in disease. Therefore, it has been classified as a Variant of Uncertain Significance. Algorithms developed to predict the effect of missense changes on protein structure and function (SIFT, PolyPhen-2, Align-GVGD) all suggest that this variant is likely to be tolerated. This variant has not been reported in the literature in individuals affected with CARD9-related conditions. This variant is present in population databases (no rsID available, gnomAD 0.009%). This sequence change replaces glutamic acid, which is acidic and polar, with lysine, which is basic and polar, at codon 296 of the CARD9 protein (p.Glu296Lys).